The following is an entry in ClinVar:

NM_000135.4(FANCA):c.1835A>G (p.Lys612Arg)

Gene: FANCA (FA complementation group A; minus strand). Cytogenetic location: 16q24.3.
Variant type: single nucleotide variant.
Coding change: c.1835A>G on transcript NM_000135.4 (MANE Select); coding-DNA position 1835, A replaced by G.
Protein change: p.Lys612Arg; replaces lysine 612 with arginine.
Molecular consequence: missense variant.
Genome position (GRCh38, 1-based): chr16:89,775,807, T>C on the plus strand (A>G on the coding strand, the complement: FANCA is on the minus strand). VCF-style: chr16-89775807-T-C. GRCh37 (hg19) VCF-style: chr16-89842215-T-C.
Other names: c.1835A>G (LRG_495t1, NM_000135.3); c.1835A>G, p.Lys612Arg (NM_001286167.3); short protein forms K612R.
Identifiers: ClinVar variation 658355 (VCV000658355.9), dbSNP rs777736014, ClinGen allele CA8252006.
Genomic context (GRCh38, chr16:89,775,807, plus strand): 5'-GGCTTCTCTTCAGCAGCAGAGCAGGCCTGGCAGTAGGTGGAGTACAGAGATGGGGGGATT[T>C]TATCTGCTCTGGATCACAGGAAAACAATACAATTAAGTCAGCTATGGCTTAAATTAATTC-3'
Protein context (NP_000126.2, residues 602-622): AFIESLKRAD[Lys612Arg]IPPSLYSTYC

ClinVar aggregate classification (germline): Uncertain significance. Review status: criteria provided, multiple submitters, no conflicts (2 of 4 stars). 6 submissions from 6 submitters: Uncertain significance (5). 1 of the submissions does not count toward it. Last evaluated 2025-05-05.

Conditions:
Fanconi anemia complementation group A (FANCA). Also called: FANCA-Related Fanconi Anemia; Fanconi anemia, group A. Identifiers: Orphanet 84, MedGen C3469521, MONDO:0009215, OMIM 227650.
Fanconi anemia (FA). Also called: Fanconi's anemia. Identifiers: Orphanet 84, MedGen C0015625, MeSH D005199, MONDO:0019391.

Allele frequency attached by ClinVar (database versions not stated): TOPMed below 0.00001; ExAC 0.00001; gnomAD 0.00001.
gnomAD v4.1: 101 of 1,610,844 alleles (0.0063%); highest among the groups gnomAD compares: Non-Finnish European, 0.0085%; no homozygotes.

Submissions (6):

Labcorp Genetics (formerly Invitae), Labcorp
Classification: Uncertain significance for Fanconi anemia. Last evaluated: 2025-05-05. Review status: criteria provided, single submitter. Criteria: Invitae Variant Classification Sherloc (09022015). Collection method: clinical testing. Allele origin: germline.
Comment: This sequence change replaces lysine, which is basic and polar, with arginine, which is basic and polar, at codon 612 of the FANCA protein (p.Lys612Arg). This variant is present in population databases (rs777736014, gnomAD 0.002%). This variant has not been reported in the literature in individuals affected with FANCA-related conditions. ClinVar contains an entry for this variant (Variation ID: 658355). Invitae Evidence Modeling of protein sequence and biophysical properties (such as structural, functional, and spatial information, amino acid conservation, physicochemical variation, residue mobility, and thermodynamic stability) has been performed for this missense variant. However, the output from this modeling did not meet the statistical confidence thresholds required to predict the impact of this variant on FANCA protein function. In summary, the available evidence is currently insufficient to determine the role of this variant in disease. Therefore, it has been classified as a Variant of Uncertain Significance.

Quest Diagnostics Nichols Institute San Juan Capistrano
Classification: Uncertain significance. Last evaluated: 2023-03-30. Review status: criteria provided, single submitter. Criteria: Quest Diagnostics criteria. Collection method: clinical testing. Allele origin: unknown.
Comment: The frequency of this variant in the general population, 0.000027 (3/112108 chromosomes), is uninformative in assessment of its pathogenicity. In the published literature, the variant has been reported in healthy individuals from cancer association studies (PMID: 29641532 (2018), 32546565 (2021)). Analysis of this variant using bioinformatics tools for the prediction of the effect of amino acid changes on protein structure and function yielded conflicting predictions that this variant is benign or damaging. Based on the available information, we are unable to determine the clinical significance of this variant.

Blueprint Genetics
Classification: Uncertain significance. Last evaluated: 2022-08-12. Review status: criteria provided, single submitter. Criteria: ACMG Guidelines, 2015. Collection method: clinical testing. Allele origin: germline.

Women's Health and Genetics/Laboratory Corporation of America, LabCorp
Classification: Uncertain significance. Last evaluated: 2022-07-05. Review status: criteria provided, single submitter. Criteria: LabCorp Variant Classification Summary - May 2015. Collection method: clinical testing. Allele origin: germline.

Fulgent Genetics
Classification: Uncertain significance for Fanconi anemia complementation group A. Last evaluated: 2022-05-08. Review status: criteria provided, single submitter. Criteria: ACMG Guidelines, 2015. Collection method: clinical testing. Allele origin: unknown.

Natera, Inc.
Classification: Uncertain significance for Fanconi anemia, group A. Last evaluated: 2020-09-16. Review status: no assertion criteria provided. Collection method: clinical testing. Allele origin: germline. Not counted in ClinVar's aggregate classification.

Literature cited by the submitters: PubMed 32546565 (cited by Quest Diagnostics Nichols Institute San Juan Capistrano); PubMed 29641532 (cited by Quest Diagnostics Nichols Institute San Juan Capistrano).